The following is an entry in ClinVar:

ClinVar aggregate classification (germline): Likely pathogenic. Review status: criteria provided, multiple submitters, no conflicts (2 of 4 stars). 2 submissions from 2 submitters: Likely pathogenic (2). Last evaluated 2023-12-06.

Conditions:
Dilated cardiomyopathy 1G (CMD1G). Identifiers: Orphanet 154, MedGen C1858763, MONDO:0011400, OMIM 604145.
Autosomal recessive limb-girdle muscular dystrophy type 2J (LGMDR10). Also called: Limb-girdle muscular dystrophy, type 2J; MUSCULAR DYSTROPHY, LIMB-GIRDLE, AUTOSOMAL RECESSIVE 10. Identifiers: Orphanet 140922, MedGen C1837342, MONDO:0012127, OMIM 608807.
Primary dilated cardiomyopathy (DCM). Also called: Dilated Cardiomyopathy. Identifiers: Orphanet 217604, MedGen C0007193, MeSH D002311, MONDO:0005021, HP:0001644. Inheritance: Various modes of inheritance.

gnomAD v4.1: 2 of 1,613,690 alleles (0.00012%); highest among the groups gnomAD compares: Non-Finnish European, 0.00017%; no homozygotes.

Submissions (2):

Labcorp Genetics (formerly Invitae), Labcorp
Classification: Likely pathogenic for Dilated cardiomyopathy 1G; Autosomal recessive limb-girdle muscular dystrophy type 2J. Last evaluated: 2023-12-06. Review status: criteria provided, single submitter. Criteria: Invitae Variant Classification Sherloc (09022015). Collection method: clinical testing. Allele origin: germline.
Comment: This sequence change creates a premature translational stop signal (p.Trp33999*) in the TTN gene. While this is not anticipated to result in nonsense mediated decay, it is expected to create a truncated TTN protein. This variant is not present in population databases (gnomAD no frequency). This premature translational stop signal has been observed in individual(s) with clinical features of dilated cardiomyopathy (PMID: 25589632, 31983221, 32659924, 36264615). ClinVar contains an entry for this variant (Variation ID: 223304). This variant is located in the M band of TTN (PMID: 25589632). Truncating variants in this region have been previously reported in individuals affected with autosomal recessive myopathy and muscular dystrophy (PMID: 18948003, 23975875, 24395473). Truncating variants in this region have also been identified in individuals affected with autosomal dominant dilated cardiomyopathy and/or cardio-related conditions (PMID: 27869827, 32964742). In summary, the currently available evidence indicates that the variant is pathogenic, but additional data are needed to prove that conclusively. Therefore, this variant has been classified as Likely Pathogenic.

Cardiovascular Biomedical Research Unit, Royal Brompton & Harefield NHS Foundation Trust
Classification: Likely pathogenic for Primary dilated cardiomyopathy. Last evaluated: 2014-10-08. Review status: criteria provided, single submitter. Criteria: Roberts et al. 2015. Collection method: research. Allele origin: germline. Inheritance: Autosomal dominant inheritance. Affected: yes. Observed: 1 variant allele. Study: Unselected DCM.
Comment: In the seven cohorts assessed, TTNtv were found in 14% of ambulant DCM, 22% end-stage or familial DCM, and 2% controls. Heterozygous nonsense, frameshift and canonical splice-disrupting variants found in constitutive and other highly utilised exons are highly likely to be pathogenic when identified in individuals with phenotypically confirmed DCM. TTNtv found incidentally in healthy individuals (excluding familial assessment of DCM relatives) are thought to have low penetrance, particularly when identified in exons that are not constitutively expressed in the heart.

Literature cited by the submitters: PubMed 25589632 (cited by Labcorp Genetics (formerly Invitae), Labcorp); PubMed 31983221 (cited by Labcorp Genetics (formerly Invitae), Labcorp); PubMed 32659924 (cited by Labcorp Genetics (formerly Invitae), Labcorp); PubMed 36264615 (cited by Labcorp Genetics (formerly Invitae), Labcorp); PubMed 18948003 (cited by Labcorp Genetics (formerly Invitae), Labcorp); PubMed 23975875 (cited by Labcorp Genetics (formerly Invitae), Labcorp); PubMed 24395473 (cited by Labcorp Genetics (formerly Invitae), Labcorp); PubMed 27869827 (cited by Labcorp Genetics (formerly Invitae), Labcorp); PubMed 32964742 (cited by Labcorp Genetics (formerly Invitae), Labcorp).

NM_001267550.2(TTN):c.101996G>A (p.Trp33999Ter)

Genes: TTN (titin; minus strand), TTN-AS1 (TTN antisense RNA 1; plus strand). Cytogenetic location: 2q31.2.
Variant type: single nucleotide variant.
Coding change: c.101996G>A on transcript NM_001267550.2 (MANE Select); coding-DNA position 101996, G replaced by A.
Protein change: p.Trp33999Ter; replaces tryptophan 33999 with a stop codon.
Molecular consequence: nonsense.
Genome position (GRCh38, 1-based): chr2:178,534,619, C>T on the plus strand (G>A on the coding strand, the complement: TTN is on the minus strand). VCF-style: chr2-178534619-C-T. GRCh37 (hg19) VCF-style: chr2-179399346-C-T.
Other names: c.97073G>A, p.Trp32358Ter (NM_001256850.1); c.74801G>A, p.Trp24934Ter (NM_003319.4); c.94292G>A, p.Trp31431Ter (NM_133378.4); c.75176G>A, p.Trp25059Ter (NM_133432.3); c.75377G>A, p.Trp25126Ter (NM_133437.4); c.101996G>A (LRG_391t1); short protein forms W33999*, W24934*, W25126*, W25059*, W31431*, W32358*.
Identifiers: ClinVar variation 223304 (VCV000223304.10), dbSNP rs869312068, ClinGen allele CA353051.